The following is an entry in ClinVar:

ClinVar aggregate classification (germline): Uncertain significance (1 of 4 stars; one submission).

Conditions:
Microphthalmia, syndromic 12 (MCOPS12). Also called: MICROPHTHALMIA WITH OR WITHOUT PULMONARY HYPOPLASIA, DIAPHRAGMATIC HERNIA, AND/OR CARDIAC DEFECTS. Identifiers: Orphanet 2470, Orphanet 689829, MedGen C3809803, MONDO:0014229, OMIM 615524.

Submission:

Labcorp Genetics (formerly Invitae), Labcorp
Classification: Uncertain significance for Microphthalmia, syndromic 12. Last evaluated: 2023-10-26. Review status: criteria provided, single submitter. Criteria: Invitae Variant Classification Sherloc (09022015). Collection method: clinical testing. Allele origin: germline.
Comment: This sequence change replaces glutamine, which is neutral and polar, with proline, which is neutral and non-polar, at codon 404 of the RARB protein (p.Gln404Pro). This variant is not present in population databases (gnomAD no frequency). This missense change has been observed in individual(s) with clinical features of RARB-related conditions (Invitae). ClinVar contains an entry for this variant (Variation ID: 567090). Advanced modeling of protein sequence and biophysical properties (such as structural, functional, and spatial information, amino acid conservation, physicochemical variation, residue mobility, and thermodynamic stability) performed at Invitae indicates that this missense variant is not expected to disrupt RARB protein function with a negative predictive value of 80%. In summary, the available evidence is currently insufficient to determine the role of this variant in disease. Therefore, it has been classified as a Variant of Uncertain Significance.

NM_000965.5(RARB):c.1211A>C (p.Gln404Pro)

Gene: RARB (retinoic acid receptor beta; plus strand). Cytogenetic location: 3p24.2.
Variant type: single nucleotide variant.
Coding change: c.1211A>C on transcript NM_000965.5 (MANE Select); coding-DNA position 1211, A replaced by C.
Protein change: p.Gln404Pro; replaces glutamine 404 with proline.
Molecular consequence: missense variant. On other transcripts: non-coding transcript variant (2).
Genome position (GRCh38, 1-based): chr3:25,596,480, A>C. VCF-style: chr3-25596480-A-C. GRCh37 (hg19) VCF-style: chr3-25637971-A-C.
Other names: c.1232A>C, p.Gln411Pro (NM_001290216.3); c.875A>C, p.Gln292Pro (NM_001290217.2, NM_001290276.2, NM_016152.4); c.1064A>C, p.Gln355Pro (NM_001290266.2); c.1073A>C, p.Gln358Pro (NM_001290277.1); c.1082A>C, p.Gln361Pro (NM_001290300.2); short protein forms Q404P, Q355P, Q358P, Q411P, Q292P, Q361P.
Identifiers: ClinVar variation 567090 (VCV000567090.7), dbSNP rs1559485305, ClinGen allele CA351889186.